The following is an entry in ClinVar:

ClinVar aggregate classification (germline): Likely benign (1 of 4 stars; one submission).

Allele frequency attached by ClinVar (database versions not stated): gnomAD 0.00300; TOPMed 0.00347; 1000 Genomes Project 0.00439; 1000 Genomes Project 30x 0.00468.
gnomAD v4.1: 451 of 152,106 alleles (0.3%); highest among the groups gnomAD compares: African/African-American, 1%; 5 homozygotes.

Submission:

GeneDx
Classification: Likely benign. Last evaluated: 2019-06-15. Review status: criteria provided, single submitter. Criteria: GeneDx Variant Classification Process June 2021. Collection method: clinical testing. Allele origin: germline. Affected: yes.
Comment: See Variant Classification Assertion Criteria.

NM_000135.4(FANCA):c.1901-253C>G

Gene: FANCA (FA complementation group A; minus strand). Cytogenetic location: 16q24.3.
Variant type: single nucleotide variant.
Coding change: c.1901-253C>G on transcript NM_000135.4 (MANE Select); 253 bases into the intron before coding-DNA position 1901, C replaced by G.
Molecular consequence: intron variant.
Genome position (GRCh38, 1-based): chr16:89,773,637, G>C on the plus strand (C>G on the coding strand, the complement: FANCA is on the minus strand). VCF-style: chr16-89773637-G-C. GRCh37 (hg19) VCF-style: chr16-89840045-G-C.
Other names: c.1901-253C>G (NM_001286167.3).
Identifiers: ClinVar variation 1804477 (VCV001804477.1), dbSNP rs140405888, ClinGen allele CA286568400.